The following is an entry in ClinVar:

ClinVar aggregate classification (germline): Likely benign. Review status: criteria provided, single submitter (1 of 4 stars). 2 submissions from 2 submitters: Likely benign (1). 1 of the submissions does not count toward it. Last evaluated 2025-06-01.

Conditions:
NFASC-related disorder. Also called: NFASC-related condition.

Allele frequency attached by ClinVar (database versions not stated): 1000 Genomes Project 30x 0.00016; 1000 Genomes Project 0.00020; ExAC 0.00069; gnomAD 0.00098; TOPMed 0.00115; ESP Exome Variant Server 0.00117.

Submissions (2):

CeGaT Center for Human Genetics Tuebingen
Classification: Likely benign. Last evaluated: 2025-06-01. Review status: criteria provided, single submitter. Criteria: CeGaT Center For Human Genetics Tuebingen Variant Classification Criteria Version 2. Collection method: clinical testing. Allele origin: germline. Affected: yes. Observed: 2 variant alleles.
Comment: NFASC: BP4, BP7

PreventionGenetics, part of Exact Sciences
Classification: Likely benign for NFASC-related condition. Last evaluated: 2019-03-26. Review status: no assertion criteria provided. Collection method: clinical testing. Allele origin: germline. Not counted in ClinVar's aggregate classification.
Comment: This variant is classified as likely benign based on ACMG/AMP sequence variant interpretation guidelines (Richards et al. 2015 PMID: 25741868, with internal and published modifications).

NM_001005388.3(NFASC):c.2808C>T (p.Thr936=)

Gene: NFASC (neurofascin; plus strand). Cytogenetic location: 1q32.1.
Variant type: single nucleotide variant.
Coding change: c.2808C>T on transcript NM_001005388.3 (MANE Select); coding-DNA position 2808, C replaced by T.
Protein change: p.Thr936=; no amino-acid change (threonine 936 retained).
Molecular consequence: synonymous variant. On other transcripts: intron variant (4).
Genome position (GRCh38, 1-based): chr1:204,997,195, C>T. VCF-style: chr1-204997195-C-T. GRCh37 (hg19) VCF-style: chr1-204966323-C-T.
Other names: c.3129C>T, p.Thr1043= (NM_001378329.1); c.3091+5889C>T (NM_001160332.2); c.3076+8389C>T (NM_015090.4); c.2755+8389C>T (NM_001365986.1); c.3136+5889C>T (NM_001160331.2); c.2808C>T (NM_001005388.2).
Identifiers: ClinVar variation 3025297 (VCV003025297.23), dbSNP rs200128800, ClinGen allele CA1350521.